The following is an entry in ClinVar:

NM_000548.5(TSC2):c.2763C>T (p.Leu921=)

Gene: TSC2 (TSC complex subunit 2; plus strand). Cytogenetic location: 16p13.3.
Variant type: single nucleotide variant.
Coding change: c.2763C>T on transcript NM_000548.5 (MANE Select); coding-DNA position 2763, C replaced by T.
Protein change: p.Leu921=; no amino-acid change (leucine 921 retained).
Molecular consequence: synonymous variant.
Genome position (GRCh38, 1-based): chr16:2,076,511, C>T. VCF-style: chr16-2076511-C-T. GRCh37 (hg19) VCF-style: chr16-2126512-C-T.
Other names: c.2763C>T (NM_000548.4); c.2763C>T, p.Leu921= (NM_001077183.3, NM_001114382.3, NM_001363528.2 and 3 more transcripts); c.2652C>T, p.Leu884= (NM_001318827.2); c.2616C>T, p.Leu872= (NM_001318829.2); c.2163C>T, p.Leu721= (NM_001318831.2); c.2796C>T, p.Leu932= (NM_001318832.2).
Identifiers: ClinVar variation 486647 (VCV000486647.18), dbSNP rs771817176, ClinGen allele CA492954323.

ClinVar aggregate classification (germline): Benign/Likely benign. Review status: criteria provided, multiple submitters, no conflicts (2 of 4 stars). 5 submissions from 5 submitters: Benign (2); Likely benign (3). Last evaluated 2025-05-22.

Conditions:
Hereditary cancer-predisposing syndrome. Also called: Tumor predisposition; Neoplastic Syndromes, Hereditary; Hereditary Cancer Syndrome; Hereditary neoplastic syndrome. Identifiers: Orphanet 140162, MedGen C0027672, MeSH D009386, MONDO:0015356.
Tuberous sclerosis 2 (TSC2). Identifiers: Orphanet 805, MedGen C1860707, MONDO:0013199, OMIM 613254.

Submissions (5):

Myriad Genetics, Inc.
Classification: Benign for Tuberous sclerosis 2. Last evaluated: 2025-05-22. Review status: criteria provided, single submitter. Criteria: Myriad Autosomal Dominant, Autosomal Recessive and X-Linked Classification Criteria (2023). Collection method: clinical testing. Allele origin: unknown.
Comment: This variant is considered benign. This variant is a silent/synonymous amino acid change and it is not expected to impact splicing.

Labcorp Genetics (formerly Invitae), Labcorp
Classification: Likely benign for Tuberous sclerosis 2. Last evaluated: 2024-08-28. Review status: criteria provided, single submitter. Criteria: Invitae Variant Classification Sherloc (09022015). Collection method: clinical testing. Allele origin: germline.

KCCC/NGS Laboratory, Kuwait Cancer Control Center
Classification: Likely benign for Tuberous sclerosis 2. Last evaluated: 2023-07-07. Review status: criteria provided, single submitter. Criteria: ACMG Guidelines, 2015. Collection method: clinical testing. Allele origin: germline. Affected: yes.

Genome-Nilou Lab
Classification: Benign for Tuberous sclerosis 2. Last evaluated: 2021-11-07. Review status: criteria provided, single submitter. Criteria: ACMG Guidelines, 2015. Collection method: clinical testing. Allele origin: germline. Affected: no.

Ambry Genetics
Classification: Likely benign for Hereditary cancer-predisposing syndrome. Last evaluated: 2016-09-23. Review status: criteria provided, single submitter. Criteria: Ambry Variant Classification Scheme 2023. Collection method: clinical testing. Allele origin: germline.